The following is an entry in ClinVar:

ClinVar aggregate classification (germline): Uncertain significance (1 of 4 stars; one submission).

Allele frequency attached by ClinVar (database versions not stated): TOPMed below 0.00001; gnomAD 0.00001; gnomAD exomes 0.00001.
gnomAD v4.1: 5 of 1,613,816 alleles (0.00031%); highest among the groups gnomAD compares: Admixed American, 0.0083%; no homozygotes.

Submission:

Labcorp Genetics (formerly Invitae), Labcorp
Classification: Uncertain significance. Last evaluated: 2025-02-06. Review status: criteria provided, single submitter. Criteria: Invitae Variant Classification Sherloc (09022015). Collection method: clinical testing. Allele origin: germline.
Comment: This sequence change replaces alanine, which is neutral and non-polar, with threonine, which is neutral and polar, at codon 1294 of the MYH7B protein (p.Ala1294Thr). This variant is present in population databases (no rsID available, gnomAD 0.01%). This variant has not been reported in the literature in individuals affected with MYH7B-related conditions. ClinVar contains an entry for this variant (Variation ID: 1915701). Invitae Evidence Modeling of protein sequence and biophysical properties (such as structural, functional, and spatial information, amino acid conservation, physicochemical variation, residue mobility, and thermodynamic stability) indicates that this missense variant is not expected to disrupt MYH7B protein function with a negative predictive value of 80%. In summary, the available evidence is currently insufficient to determine the role of this variant in disease. Therefore, it has been classified as a Variant of Uncertain Significance.

NM_020884.7(MYH7B):c.3754G>A (p.Ala1252Thr)

Gene: MYH7B (myosin heavy chain 7B; plus strand). Cytogenetic location: 20q11.22.
Variant type: single nucleotide variant.
Coding change: c.3754G>A on transcript NM_020884.7 (MANE Select); coding-DNA position 3754, G replaced by A.
Protein change: p.Ala1252Thr; replaces alanine 1252 with threonine.
Molecular consequence: missense variant.
Genome position (GRCh38, 1-based): chr20:34,998,301, G>A. VCF-style: chr20-34998301-G-A. GRCh37 (hg19) VCF-style: chr20-33586104-G-A.
Other names: short protein forms A1252T.
Identifiers: ClinVar variation 1915701 (VCV001915701.5), dbSNP rs1012086819, ClinGen allele CA313483695.